The following is an entry in ClinVar:

ClinVar aggregate classification (germline): Uncertain significance. Review status: criteria provided, single submitter (1 of 4 stars). 2 submissions from 2 submitters: Uncertain significance (1). 1 of the submissions does not count toward it. Last evaluated 2026-05-04.

Conditions:
Kostmann syndrome (SCN3). Also called: KOSTMANN DISEASE; Autosomal recessive severe congenital neutropenia type 3. Identifiers: Orphanet 99749, MedGen C5235141, MONDO:0012548, OMIM 610738.
Inborn genetic diseases. Identifiers: MedGen C0950123, MeSH D030342.

Submissions (2):

Ambry Genetics
Classification: Uncertain significance for Inborn genetic diseases. Last evaluated: 2026-05-04. Review status: criteria provided, single submitter. Criteria: Ambry Variant Classification Scheme 2023. Collection method: clinical testing. Allele origin: germline.
Comment: The p.E194Q variant (also known as c.580G>C), located in coding exon 5 of the HAX1 gene, results from a G to C substitution at nucleotide position 580. The glutamic acid at codon 194 is replaced by glutamine, an amino acid with highly similar properties. This amino acid position is conserved. In addition, this alteration is predicted to be tolerated by in silico analysis. Based on the available evidence, the clinical significance of this variant remains unclear.

Natera, Inc.
Classification: Uncertain significance for Autosomal recessive severe congenital neutropenia type 3. Last evaluated: 2025-05-07. Review status: no assertion criteria provided. Collection method: clinical testing. Allele origin: germline. Not counted in ClinVar's aggregate classification.

NM_006118.4(HAX1):c.580G>C (p.Glu194Gln)

Gene: HAX1 (HCLS1 associated protein X-1; plus strand). Cytogenetic location: 1q21.3.
Variant type: single nucleotide variant.
Coding change: c.580G>C on transcript NM_006118.4 (MANE Select); coding-DNA position 580, G replaced by C.
Protein change: p.Glu194Gln; replaces glutamic acid 194 with glutamine.
Molecular consequence: missense variant.
Genome position (GRCh38, 1-based): chr1:154,275,177, G>C. VCF-style: chr1-154275177-G-C. GRCh37 (hg19) VCF-style: chr1-154247653-G-C.
Other names: c.436G>C, p.Glu146Gln (NM_001018837.2); short protein forms E146Q, E194Q.
Identifiers: ClinVar variation 4069019 (VCV004069019.2).